The following is an entry in ClinVar:

ClinVar aggregate classification (germline): Benign. Review status: criteria provided, multiple submitters, no conflicts (2 of 4 stars). 9 submissions from 9 submitters: Benign (7). 2 of the submissions do not count toward it. Last evaluated 2026-06-03.

Conditions:
Bamforth-Lazarus syndrome. Identifiers: Orphanet 1226, MedGen C1855794, MONDO:0009437, OMIM 241850.

Submissions (9):

Women's Health and Genetics/Laboratory Corporation of America, LabCorp
Classification: Benign. Last evaluated: 2026-06-03. Review status: criteria provided, single submitter. Criteria: LabCorp Variant Classification Summary - May 2015. Collection method: clinical testing. Allele origin: germline.
Comment: Variant summary: FOXE1 c.532_537delGCCGCC (p.Ala178_Ala179del) results in an in-frame deletion in a repeat region that is predicted to remove two amino acids from the encoded protein. The variant allele was found at a frequency of 0.2 in 12212 control chromosomes in the gnomAD database, including 732 homozygotes. The observed variant frequency exceeds the estimated maximal expected allele frequency for disease-causing variants in FOXE1. To our knowledge, no penetrant association of c.532_537delGCCGCC in individuals affected with FOXE1-related conditions and no experimental evidence demonstrating its impact on protein function have been reported. ClinVar contains an entry for this variant (Variation ID: 95097). Based on the evidence outlined above, the variant was classified as benign.

Laboratory of Genetics, Children's Clinical University Hospital Latvia
Classification: Benign. Last evaluated: 2025-02-16. Review status: criteria provided, single submitter. Criteria: ACMG Guidelines, 2015. Collection method: clinical testing. Allele origin: germline. Affected: yes.

Blueprint Genetics
Classification: Benign. Last evaluated: 2024-11-27. Review status: criteria provided, single submitter. Criteria: ACMG Guidelines, 2015. Collection method: clinical testing. Allele origin: germline.

GeneDx
Classification: Benign. Last evaluated: 2021-05-04. Review status: criteria provided, single submitter. Criteria: GeneDx Variant Classification Process June 2021. Collection method: clinical testing. Allele origin: germline. Affected: yes.

Clinical Genetics DNA and cytogenetics Diagnostics Lab, Erasmus MC, Erasmus Medical Center
Classification: Benign for Bamforth-Lazarus syndrome. Last evaluated: 2016-02-09. Review status: criteria provided, single submitter. Criteria: ACGS Guidelines, 2013. Collection method: clinical testing. Allele origin: germline. Affected: yes. Study: VKGL Data-share Consensus.

Genome Diagnostics Laboratory, University Medical Center Utrecht
Classification: Benign for Bamforth-Lazarus syndrome. Last evaluated: 2016-01-13. Review status: criteria provided, single submitter. Criteria: ACGS Guidelines, 2013. Collection method: clinical testing. Allele origin: germline. Affected: yes. Study: VKGL Data-share Consensus.

Eurofins Ntd Llc (ga)
Classification: Benign. Last evaluated: 2015-12-22. Review status: criteria provided, single submitter. Criteria: EGL Classification Definitions 2015. Collection method: clinical testing. Allele origin: germline. Observed: 21 variant alleles, 7 heterozygotes, 14 homozygotes.

Clinical Genetics, Academic Medical Center
Classification: Benign. Review status: no assertion criteria provided. Collection method: clinical testing. Allele origin: germline. Affected: yes. Study: VKGL Data-share Consensus. Not counted in ClinVar's aggregate classification.

Laboratory of Diagnostic Genome Analysis, Leiden University Medical Center (LUMC)
Classification: Likely benign. Review status: no assertion criteria provided. Collection method: clinical testing. Allele origin: germline. Affected: yes. Study: VKGL Data-share Consensus. Not counted in ClinVar's aggregate classification.

NM_004473.4(FOXE1):c.505GCC[9] (p.Ala178_Ala179del)

Gene: FOXE1 (forkhead box E1; plus strand). Cytogenetic location: 9q22.33.
Variant type: Microsatellite.
Coding change: c.505GCC[9] on transcript NM_004473.4 (MANE Select); nine copies in a row of the 3-base unit GCC starting at c.505; the reference has 11 copies in a row; two copies, 6 bases deleted.
Protein change: p.Ala178_Ala179del.
Molecular consequence: inframe deletion.
Genome position (GRCh38, 1-based): chr9:97,854,446-97,854,451, GCCGCC deleted; deleting any 6 consecutive bases within chr9:97,854,419-97,854,451 gives the same sequence; the position shown is the placement nearest the transcript's 3' end. VCF-style (leftmost placement, unchanged base first): chr9-97854418-AGCCGCC-A. GRCh37 (hg19) VCF-style: chr9-100616700-AGCCGCC-A.
Other names: c.532_537delGCCGCC (NM_004473.4, NM_004473.3).
Identifiers: ClinVar variation 95097 (VCV000095097.13), dbSNP rs71369530, ClinGen allele CA148172.